The following is an entry in ClinVar:

ClinVar aggregate classification (germline): Uncertain significance (1 of 4 stars; one submission).

Allele frequency attached by ClinVar (database versions not stated): gnomAD exomes below 0.00001; TOPMed below 0.00001; ExAC 0.00001; ESP Exome Variant Server 0.00008.
gnomAD v4.1: 2 of 1,614,132 alleles (0.00012%); highest among the groups gnomAD compares: South Asian, 0.0011%; no homozygotes.

Submission:

Labcorp Genetics (formerly Invitae), Labcorp
Classification: Uncertain significance. Last evaluated: 2024-10-21. Review status: criteria provided, single submitter. Criteria: Invitae Variant Classification Sherloc (09022015). Collection method: clinical testing. Allele origin: germline.
Comment: This sequence change replaces arginine, which is basic and polar, with proline, which is neutral and non-polar, at codon 684 of the CDHR1 protein (p.Arg684Pro). This variant is present in population databases (rs144225118, gnomAD no frequency). This variant has not been reported in the literature in individuals affected with CDHR1-related conditions. ClinVar contains an entry for this variant (Variation ID: 1441212). Invitae Evidence Modeling of protein sequence and biophysical properties (such as structural, functional, and spatial information, amino acid conservation, physicochemical variation, residue mobility, and thermodynamic stability) indicates that this missense variant is not expected to disrupt CDHR1 protein function with a negative predictive value of 80%. In summary, the available evidence is currently insufficient to determine the role of this variant in disease. Therefore, it has been classified as a Variant of Uncertain Significance.

NM_033100.4(CDHR1):c.2051G>C (p.Arg684Pro)

Gene: CDHR1 (cadherin related family member 1; plus strand). Cytogenetic location: 10q23.1.
Variant type: single nucleotide variant.
Coding change: c.2051G>C on transcript NM_033100.4 (MANE Select); coding-DNA position 2051, G replaced by C.
Protein change: p.Arg684Pro; replaces arginine 684 with proline.
Molecular consequence: missense variant. On other transcripts: intron variant (1).
Genome position (GRCh38, 1-based): chr10:84,214,092, G>C. VCF-style: chr10-84214092-G-C. GRCh37 (hg19) VCF-style: chr10-85973848-G-C.
Other names: c.2040+744G>C (NM_001171971.3); short protein forms R684P.
Identifiers: ClinVar variation 1441212 (VCV001441212.6), dbSNP rs144225118, ClinGen allele CA5580140.